The following is an entry in ClinVar:

NM_002755.4(MAP2K1):c.490C>A (p.Gln164Lys)

Gene: MAP2K1 (mitogen-activated protein kinase kinase 1; plus strand). Cytogenetic location: 15q22.31.
Variant type: single nucleotide variant.
Coding change: c.490C>A on transcript NM_002755.4 (MANE Select); coding-DNA position 490, C replaced by A.
Protein change: p.Gln164Lys; replaces glutamine 164 with lysine.
Molecular consequence: missense variant.
Genome position (GRCh38, 1-based): chr15:66,443,331, C>A. VCF-style: chr15-66443331-C-A. GRCh37 (hg19) VCF-style: chr15-66735669-C-A.
Other names: short protein forms Q164K.
Identifiers: ClinVar variation 1318017 (VCV001318017.5), dbSNP rs1891772126, ClinGen allele CA392931916.
Genomic context (GRCh38, chr15:66,443,331, plus strand): 5'-CGATCTTAGGATGGAGGTTCTCTGGATCAAGTCCTGAAGAAAGCTGGAAGAATTCCTGAA[C>A]AAATTTTAGGAAAAGTTAGCATTGCTGTGAGTATGTTATGAAGTTTTTCTTCTAAGTTCC-3'
Protein context (NP_002746.1, residues 154-174): VLKKAGRIPE[Gln164Lys]ILGKVSIAVI

ClinVar aggregate classification (germline): Uncertain significance. Review status: criteria provided, multiple submitters, no conflicts (2 of 4 stars). 2 submissions from 2 submitters: Uncertain significance (2). Last evaluated 2023-11-07.

Conditions:
RASopathy. Also called: Noonan spectrum disorder; rasopathies. Identifiers: Orphanet 536391, MedGen C5555857, MONDO:0021060.

Submissions (2):

Labcorp Genetics (formerly Invitae), Labcorp
Classification: Uncertain significance for RASopathy. Last evaluated: 2023-11-07. Review status: criteria provided, single submitter. Criteria: Invitae Variant Classification Sherloc (09022015). Collection method: clinical testing. Allele origin: germline.
Comment: This sequence change replaces glutamine, which is neutral and polar, with lysine, which is basic and polar, at codon 164 of the MAP2K1 protein (p.Gln164Lys). This variant is not present in population databases (gnomAD no frequency). This missense change has been observed in individual(s) with cardio-facio-cutaneous syndrome (PMID: 26607044). ClinVar contains an entry for this variant (Variation ID: 1318017). Advanced modeling of protein sequence and biophysical properties (such as structural, functional, and spatial information, amino acid conservation, physicochemical variation, residue mobility, and thermodynamic stability) performed at Invitae indicates that this missense variant is not expected to disrupt MAP2K1 protein function with a negative predictive value of 80%. Experimental studies are conflicting or provide insufficient evidence to determine the effect of this variant on MAP2K1 function (PMID: 28049852). In summary, the available evidence is currently insufficient to determine the role of this variant in disease. Therefore, it has been classified as a Variant of Uncertain Significance.

GeneDx
Classification: Uncertain significance. Last evaluated: 2021-04-02. Review status: criteria provided, single submitter. Criteria: GeneDx Variant Classification Process June 2021. Collection method: clinical testing. Allele origin: germline. Affected: yes.
Comment: Not observed in large population cohorts (Lek et al., 2016); Missense variants in this gene are often considered pathogenic (Stenson et al., 2014); In silico analysis supports that this missense variant does not alter protein structure/function; Functional studies examining the morphological effect of Q164K in zebrafish suggest no significant effect on development and lethality, however additional studies are needed to validate the functional effect of this variant in vivo (Jindal et al., 2017); This variant is associated with the following publications: (PMID: 28049852, 26607044)

Literature cited by the submitters: PubMed 26607044 (cited by Labcorp Genetics (formerly Invitae), Labcorp); PubMed 28049852 (cited by Labcorp Genetics (formerly Invitae), Labcorp).